The following is an entry in ClinVar:

ClinVar aggregate classification (germline): Uncertain significance (1 of 4 stars; one submission).

Allele frequency attached by ClinVar (database versions not stated): gnomAD 0.00001; gnomAD exomes 0.00001; TOPMed 0.00002; ExAC 0.00005.
gnomAD v4.1: 12 of 1,576,152 alleles (0.00076%); highest among the groups gnomAD compares: East Asian, 0.0024%; no homozygotes.

Submission:

Labcorp Genetics (formerly Invitae), Labcorp
Classification: Uncertain significance. Last evaluated: 2022-09-13. Review status: criteria provided, single submitter. Criteria: Invitae Variant Classification Sherloc (09022015). Collection method: clinical testing. Allele origin: germline.
Comment: ClinVar contains an entry for this variant (Variation ID: 1412598). Advanced modeling of protein sequence and biophysical properties (such as structural, functional, and spatial information, amino acid conservation, physicochemical variation, residue mobility, and thermodynamic stability) performed at Invitae indicates that this missense variant is expected to disrupt MYH14 protein function. Algorithms developed to predict the effect of sequence changes on RNA splicing suggest that this variant may create or strengthen a splice site. In summary, the available evidence is currently insufficient to determine the role of this variant in disease. Therefore, it has been classified as a Variant of Uncertain Significance. This variant has not been reported in the literature in individuals affected with MYH14-related conditions. The frequency data for this variant in the population databases is considered unreliable, as metrics indicate poor data quality at this position in the gnomAD database. This sequence change replaces alanine, which is neutral and non-polar, with valine, which is neutral and non-polar, at codon 13 of the MYH14 protein (p.Ala13Val).

NM_001145809.2(MYH14):c.38C>T (p.Ala13Val)

Gene: MYH14 (myosin heavy chain 14; plus strand). Cytogenetic location: 19q13.33.
Variant type: single nucleotide variant.
Coding change: c.38C>T on transcript NM_001145809.2 (MANE Select); coding-DNA position 38, C replaced by T.
Protein change: p.Ala13Val; replaces alanine 13 with valine.
Molecular consequence: missense variant.
Genome position (GRCh38, 1-based): chr19:50,210,403, C>T. VCF-style: chr19-50210403-C-T. GRCh37 (hg19) VCF-style: chr19-50713660-C-T.
Other names: c.38C>T, p.Ala13Val (NM_001077186.2, NM_024729.4); short protein forms A13V.
Identifiers: ClinVar variation 1412598 (VCV001412598.6), dbSNP rs760685746, ClinGen allele CA9592178.